The following is an entry in ClinVar:

ClinVar aggregate classification (germline): Uncertain significance (1 of 4 stars; one submission).

Conditions:
Centromeric instability of chromosomes 1,9 and 16 and immunodeficiency (ICF1). Also called: Immunodeficiency-centromeric instability-facial anomalies; IMMUNE DEFICIENCY, VARIABLE, WITH CENTROMERIC INSTABILITY OF CHROMOSOMES 1, 9, AND 16; IMMUNODEFICIENCY SYNDROME, VARIABLE; CENTROMERIC INSTABILITY, IMMUNODEFICIENCY SYNDROME. Identifiers: Orphanet 2268, MedGen C0398788, MONDO:0000133.

Allele frequency attached by ClinVar (database versions not stated): gnomAD exomes below 0.00001 and 0.00002; TOPMed below 0.00001.
gnomAD v4.1: 23 of 1,614,194 alleles (0.0014%); highest among the groups gnomAD compares: East Asian, 0.011%; no homozygotes.

Submission:

Labcorp Genetics (formerly Invitae), Labcorp
Classification: Uncertain significance for Centromeric instability of chromosomes 1,9 and 16 and immunodeficiency. Last evaluated: 2022-02-25. Review status: criteria provided, single submitter. Criteria: Invitae Variant Classification Sherloc (09022015). Collection method: clinical testing. Allele origin: germline.
Comment: This sequence change replaces arginine, which is basic and polar, with glutamine, which is neutral and polar, at codon 148 of the DNMT3B protein (p.Arg148Gln). This variant is present in population databases (no rsID available, gnomAD 0.0009%). This variant has not been reported in the literature in individuals affected with DNMT3B-related conditions. ClinVar contains an entry for this variant (Variation ID: 1000612). Algorithms developed to predict the effect of missense changes on protein structure and function are either unavailable or do not agree on the potential impact of this missense change (SIFT: "Deleterious"; PolyPhen-2: "Benign"; Align-GVGD: "Class C0"). In summary, the available evidence is currently insufficient to determine the role of this variant in disease. Therefore, it has been classified as a Variant of Uncertain Significance.

NM_006892.4(DNMT3B):c.443G>A (p.Arg148Gln)

Gene: DNMT3B (DNA methyltransferase 3 beta; plus strand). Cytogenetic location: 20q11.21.
Variant type: single nucleotide variant.
Coding change: c.443G>A on transcript NM_006892.4 (MANE Select); coding-DNA position 443, G replaced by A.
Protein change: p.Arg148Gln; replaces arginine 148 with glutamine.
Molecular consequence: missense variant.
Genome position (GRCh38, 1-based): chr20:32,787,240, G>A. VCF-style: chr20-32787240-G-A. GRCh37 (hg19) VCF-style: chr20-31375046-G-A.
Other names: c.317G>A, p.Arg106Gln (NM_001207055.2); c.215G>A, p.Arg72Gln (NM_001207056.2); c.443G>A, p.Arg148Gln (NM_175848.2, NM_175849.2); c.479G>A, p.Arg160Gln (NM_175850.3); short protein forms R106Q, R148Q, R160Q, R72Q.
Identifiers: ClinVar variation 1000612 (VCV001000612.6), dbSNP rs1457500486, ClinGen allele CA408586439.
Genomic context (GRCh38, chr20:32,787,240, plus strand): 5'-TCACCGACATCCTTTGCTCTGGCCCAAACTATGTGTCCTTCTGTCCACAGTCCCTGAGAC[G>A]GCGGGCAACAGCATCGGCAGGAACGCCATGGCCGTCCCCTCCCAGCTCTTACCTTACCAT-3'
Protein context (NP_008823.1, residues 138-158): VEFPATRSLR[Arg148Gln]RATASAGTPW